The following is an entry in ClinVar:

ClinVar aggregate classification (germline): Likely benign. Review status: criteria provided, multiple submitters, no conflicts (2 of 4 stars). 4 submissions from 4 submitters: Likely benign (4). Last evaluated 2026-01-05.

Conditions:
Inborn genetic diseases. Identifiers: MedGen C0950123, MeSH D030342.

Allele frequency attached by ClinVar (database versions not stated): gnomAD 0.00002 and 0.00003; TOPMed 0.00005; gnomAD exomes 0.00010 and 0.00019; 1000 Genomes Project 30x 0.00016; ExAC 0.00018; 1000 Genomes Project 0.00020.
gnomAD v4.1: 154 of 1,613,114 alleles (0.0095%); highest among the groups gnomAD compares: South Asian, 0.1%; 3 homozygotes.

Submissions (4):

Labcorp Genetics (formerly Invitae), Labcorp
Classification: Likely benign. Last evaluated: 2026-01-05. Review status: criteria provided, single submitter. Criteria: Invitae Variant Classification Sherloc (09022015). Collection method: clinical testing. Allele origin: germline.

Blueprint Genetics
Classification: Likely benign. Last evaluated: 2024-11-22. Review status: criteria provided, single submitter. Criteria: ACMG Guidelines, 2015. Collection method: clinical testing. Allele origin: germline.

Ambry Genetics
Classification: Likely benign for Inborn genetic diseases. Last evaluated: 2024-09-03. Review status: criteria provided, single submitter. Criteria: Ambry Variant Classification Scheme 2023. Collection method: clinical testing. Allele origin: germline.

CeGaT Center for Human Genetics Tuebingen
Classification: Likely benign. Last evaluated: 2024-03-01. Review status: criteria provided, single submitter. Criteria: CeGaT Center For Human Genetics Tuebingen Variant Classification Criteria Version 2. Collection method: clinical testing. Allele origin: germline. Affected: yes. Observed: 1 variant allele.
Comment: STIL: BP4

NM_001048166.1(STIL):c.1172A>G (p.His391Arg)

Gene: STIL (STIL centriolar assembly protein; minus strand). Cytogenetic location: 1p33.
Variant type: single nucleotide variant.
Coding change: c.1172A>G on transcript NM_001048166.1 (MANE Select); coding-DNA position 1172, A replaced by G.
Protein change: p.His391Arg; replaces histidine 391 with arginine.
Molecular consequence: missense variant.
Genome position (GRCh38, 1-based): chr1:47,282,421, T>C on the plus strand (A>G on the coding strand, the complement: STIL is on the minus strand). VCF-style: chr1-47282421-T-C. GRCh37 (hg19) VCF-style: chr1-47748093-T-C.
Other names: c.1172A>G, p.His391Arg (NM_001282936.1, NM_001282937.1, NM_003035.2); c.1031A>G, p.His344Arg (NM_001282938.1, NM_001282939.1); short protein forms H344R, H391R.
Identifiers: ClinVar variation 744271 (VCV000744271.33), dbSNP rs545797279, ClinGen allele CA842403.
Genomic context (GRCh38, chr1:47,282,421, plus strand): 5'-TGAGGACTAGGAATTGGTCTTGGAGAAAAATCTTCATCTTCAACACCAGAGTCGTGATCA[T>C]GTATTGGCATCTTCCCAGAAGATAACTTTTGGGAAGACCTAAAGAATAGAAGGGGAGACC-3'
Protein context (NP_001041631.1, residues 381-401): QKLSSGKMPI[His391Arg]DHDSGVEDED